The following is an entry in ClinVar:

ClinVar aggregate classification (germline): Uncertain significance (0 of 4 stars; one submission).

Conditions:
MC3R-related disorder. Also called: MC3R-related condition.

Submission:

PreventionGenetics, part of Exact Sciences
Classification: Uncertain significance for MC3R-related condition. Last evaluated: 2024-04-22. Review status: no assertion criteria provided. Collection method: clinical testing. Allele origin: germline.
Comment: The MC3R c.625C>T variant is predicted to result in the amino acid substitution p.His209Tyr. To our knowledge, this variant has not been reported in the literature. This variant is reported in 0.028% of alleles in individuals of African descent in gnomAD. At this time, the clinical significance of this variant is uncertain due to the absence of conclusive functional and genetic evidence.

NM_019888.3(MC3R):c.625C>T (p.His209Tyr)

Gene: MC3R (melanocortin 3 receptor; plus strand). Cytogenetic location: 20q13.2.
Variant type: single nucleotide variant.
Coding change: c.625C>T on transcript NM_019888.3 (MANE Select); coding-DNA position 625, C replaced by T.
Protein change: p.His209Tyr; replaces histidine 209 with tyrosine.
Molecular consequence: missense variant.
Genome position (GRCh38, 1-based): chr20:56,249,468, C>T. VCF-style: chr20-56249468-C-T. GRCh37 (hg19) VCF-style: chr20-54824524-C-T.
Other names: short protein forms H209Y.
Identifiers: ClinVar variation 3358581 (VCV003358581.1).
Genomic context (GRCh38, chr20:56,249,468, plus strand): 5'-ATTGTGTGCCTCATCACCATGTTCTTCGCCATGATGCTCCTCATGGGCACCCTCTACGTG[C>T]ACATGTTCCTCTTTGCGCGGCTGCACGTCAAGCGCATAGCAGCACTGCCACCTGCCGACG-3'
Protein context (NP_063941.3, residues 199-219): MMLLMGTLYV[His209Tyr]MFLFARLHVK